The following is an entry in ClinVar:

ClinVar aggregate classification (germline): Likely pathogenic (1 of 4 stars; one submission).

Allele frequency attached by ClinVar (database versions not stated): gnomAD exomes below 0.00001; ExAC 0.00001; TOPMed 0.00002; gnomAD 0.00003; ESP Exome Variant Server 0.00008.
gnomAD v4.1: 7 of 1,612,986 alleles (0.00043%); highest among the groups gnomAD compares: African/African-American, 0.0093%; no homozygotes.

Submission:

Labcorp Genetics (formerly Invitae), Labcorp
Classification: Likely pathogenic. Last evaluated: 2024-06-29. Review status: criteria provided, single submitter. Criteria: Invitae Variant Classification Sherloc (09022015). Collection method: clinical testing. Allele origin: germline.
Comment: This sequence change affects a donor splice site in intron 3 of the ACAD9 gene. It is expected to disrupt RNA splicing. Variants that disrupt the donor or acceptor splice site typically lead to a loss of protein function (PMID: 16199547), and loss-of-function variants in ACAD9 are known to be pathogenic (PMID: 25721401). This variant is present in population databases (rs142203806, gnomAD 0.008%). This variant has not been reported in the literature in individuals affected with ACAD9-related conditions. Algorithms developed to predict the effect of sequence changes on RNA splicing suggest that this variant may disrupt the consensus splice site. In summary, the currently available evidence indicates that the variant is pathogenic, but additional data are needed to prove that conclusively. Therefore, this variant has been classified as Likely Pathogenic.

Literature cited by the submitters: PubMed 16199547; PubMed 25721401.

NM_014049.5(ACAD9):c.346+1G>A

Gene: ACAD9 (acyl-CoA dehydrogenase family member 9; plus strand). Cytogenetic location: 3q21.3.
Variant type: single nucleotide variant.
Coding change: c.346+1G>A on transcript NM_014049.5 (MANE Select); the canonical splice donor site of the intron after coding-DNA position 346, G replaced by A.
Molecular consequence: splice donor variant.
Genome position (GRCh38, 1-based): chr3:128,893,657, G>A. VCF-style: chr3-128893657-G-A. GRCh37 (hg19) VCF-style: chr3-128612500-G-A.
Other names: c.-24+1G>A (NM_001410805.1).
Identifiers: ClinVar variation 2679708 (VCV002679708.4), dbSNP rs142203806, ClinGen allele CA2601116.